The following is an entry in ClinVar:

NM_001008537.3(NEXMIF):c.4147A>C (p.Ser1383Arg)

Gene: NEXMIF (neurite extension and migration factor; minus strand). Cytogenetic location: Xq13.3.
Variant type: single nucleotide variant.
Coding change: c.4147A>C on transcript NM_001008537.3 (MANE Select); coding-DNA position 4147, A replaced by C.
Protein change: p.Ser1383Arg; replaces serine 1383 with arginine.
Molecular consequence: missense variant.
Genome position (GRCh38, 1-based): chrX:74,740,410, T>G on the plus strand (A>C on the coding strand, the complement: NEXMIF is on the minus strand). VCF-style: chrX-74740410-T-G. GRCh37 (hg19) VCF-style: chrX-73960245-T-G.
Other names: short protein forms S1383R.
Identifiers: ClinVar variation 3347439 (VCV003347439.1).

ClinVar aggregate classification (germline): Uncertain significance (0 of 4 stars; one submission).

Conditions:
NEXMIF-related disorder. Also called: NEXMIF-related condition.

Submission:

PreventionGenetics, part of Exact Sciences
Classification: Uncertain significance for NEXMIF-related condition. Last evaluated: 2024-05-16. Review status: no assertion criteria provided. Collection method: clinical testing. Allele origin: germline.
Comment: The NEXMIF c.4147A>C variant is predicted to result in the amino acid substitution p.Ser1383Arg. To our knowledge, this variant has not been reported in the literature or in a large population database), indicating this variant is rare. At this time, the clinical significance of this variant is uncertain due to the absence of conclusive functional and genetic evidence.